The following is an entry in ClinVar:

NM_001718.6(BMP6):c.391T>C (p.Ser131Pro)

Gene: BMP6 (bone morphogenetic protein 6; plus strand). Cytogenetic location: 6p24.3.
Variant type: single nucleotide variant.
Coding change: c.391T>C on transcript NM_001718.6 (MANE Select); coding-DNA position 391, T replaced by C.
Protein change: p.Ser131Pro; replaces serine 131 with proline.
Molecular consequence: missense variant.
Genome position (GRCh38, 1-based): chr6:7,727,346, T>C. VCF-style: chr6-7727346-T-C. GRCh37 (hg19) VCF-style: chr6-7727579-T-C.
Other names: short protein forms S131P.
Identifiers: ClinVar variation 4872930 (VCV004872930.2).

ClinVar aggregate classification (germline): Uncertain significance (1 of 4 stars; one submission).

Submission:

CeGaT Center for Human Genetics Tuebingen
Classification: Uncertain significance. Last evaluated: 2026-05-01. Review status: criteria provided, single submitter. Criteria: CeGaT Center For Human Genetics Tuebingen Variant Classification Criteria Version 2. Collection method: clinical testing. Allele origin: germline. Affected: yes. Observed: 1 variant allele.
Comment: BMP6: PM2